The following is an entry in ClinVar:

NM_020297.4(ABCC9):c.3669+4C>G

Genes: ABCC9 (ATP binding cassette subfamily C member 9; minus strand), KCNJ8-AS1 (KCNJ8 antisense RNA 1; plus strand). Cytogenetic location: 12p12.1.
Variant type: single nucleotide variant.
Coding change: c.3669+4C>G on transcript NM_020297.4 (MANE Select); 4 bases into the intron after coding-DNA position 3669, C replaced by G.
Molecular consequence: intron variant.
Genome position (GRCh38, 1-based): chr12:21,828,954, G>C on the plus strand (C>G on the coding strand, the complement: ABCC9 is on the minus strand). VCF-style: chr12-21828954-G-C. GRCh37 (hg19) VCF-style: chr12-21981888-G-C.
Other names: c.2802+4C>G (NM_001377274.1); c.3669+4C>G (NM_005691.4, NM_001377273.1).
Identifiers: ClinVar variation 1385397 (VCV001385397.6), dbSNP rs189565793, ClinGen allele CA6481069.

ClinVar aggregate classification (germline): Uncertain significance (1 of 4 stars; one submission).

Conditions:
Dilated cardiomyopathy 1O (CMD1O). Also called: CARDIOMYOPATHY, DILATED, WITH VENTRICULAR TACHYCARDIA. Identifiers: Orphanet 154, MedGen C1837839, MONDO:0012062, OMIM 608569.

Allele frequency attached by ClinVar (database versions not stated): 1000 Genomes Project 30x 0.00016; 1000 Genomes Project 0.00020.
gnomAD v4.1: 31 of 1,611,126 alleles (0.0019%); highest among the groups gnomAD compares: East Asian, 0.051%; no homozygotes.

Submission:

Labcorp Genetics (formerly Invitae), Labcorp
Classification: Uncertain significance for Dilated cardiomyopathy 1O. Last evaluated: 2025-08-01. Review status: criteria provided, single submitter. Criteria: Invitae Variant Classification Sherloc (09022015). Collection method: clinical testing. Allele origin: germline.
Comment: This sequence change falls in intron 29 of the ABCC9 gene. It does not directly change the encoded amino acid sequence of the ABCC9 protein. It affects a nucleotide within the consensus splice site. This variant is present in population databases (rs189565793, gnomAD 0.02%). This variant has not been reported in the literature in individuals affected with ABCC9-related conditions. ClinVar contains an entry for this variant (Variation ID: 1385397). Variants that disrupt the consensus splice site are a relatively common cause of aberrant splicing (PMID: 17576681, 9536098). Algorithms developed to predict the effect of sequence changes on RNA splicing suggest that this variant is not likely to affect RNA splicing. In summary, the available evidence is currently insufficient to determine the role of this variant in disease. Therefore, it has been classified as a Variant of Uncertain Significance.

Literature cited by the submitters: PubMed 17576681; PubMed 9536098.